The following is an entry in ClinVar:

NM_001292063.2(OTOG):c.6895A>G (p.Met2299Val)

Gene: OTOG (otogelin; plus strand). Cytogenetic location: 11p15.1.
Variant type: single nucleotide variant.
Coding change: c.6895A>G on transcript NM_001292063.2 (MANE Select); coding-DNA position 6895, A replaced by G.
Protein change: p.Met2299Val; replaces methionine 2299 with valine.
Molecular consequence: missense variant.
Genome position (GRCh38, 1-based): chr11:17,631,884, A>G. VCF-style: chr11-17631884-A-G. GRCh37 (hg19) VCF-style: chr11-17653431-A-G.
Other names: c.6931A>G, p.Met2311Val (NM_001277269.2); short protein forms M2299V, M2311V.
Identifiers: ClinVar variation 3368235 (VCV003368235.1).

ClinVar aggregate classification (germline): Uncertain significance (1 of 4 stars; one submission).

gnomAD v4.1: 11 of 1,550,296 alleles (0.00071%); highest among the groups gnomAD compares: African/African-American, 0.0082%; no homozygotes.

Submission:

GeneDx
Classification: Uncertain significance. Last evaluated: 2024-01-25. Review status: criteria provided, single submitter. Criteria: GeneDx Variant Classification Process June 2021. Collection method: clinical testing. Allele origin: germline. Affected: yes.
Comment: Not observed at significant frequency in large population cohorts (gnomAD); In silico analysis supports that this missense variant does not alter protein structure/function; Has not been previously published as pathogenic or benign to our knowledge